The following is an entry in ClinVar:

NM_003922.4(HERC1):c.9086G>C (p.Gly3029Ala)

Gene: HERC1 (HECT and RLD domain containing E3 ubiquitin protein ligase family member 1; minus strand). Cytogenetic location: 15q22.31.
Variant type: single nucleotide variant.
Coding change: c.9086G>C on transcript NM_003922.4 (MANE Select); coding-DNA position 9086, G replaced by C.
Protein change: p.Gly3029Ala; replaces glycine 3029 with alanine.
Molecular consequence: missense variant.
Genome position (GRCh38, 1-based): chr15:63,661,837, C>G on the plus strand (G>C on the coding strand, the complement: HERC1 is on the minus strand). VCF-style: chr15-63661837-C-G. GRCh37 (hg19) VCF-style: chr15-63954036-C-G.
Other names: c.9086G>C (NM_003922.3); short protein forms G3029A.
Identifiers: ClinVar variation 1405668 (VCV001405668.6), dbSNP rs781292761, ClinGen allele CA7604807.

ClinVar aggregate classification (germline): Uncertain significance. Review status: criteria provided, multiple submitters, no conflicts (2 of 4 stars). 2 submissions from 2 submitters: Uncertain significance (2). Last evaluated 2024-07-29.

Conditions:
HERC1-related disorder. Also called: HERC1-related condition.

Allele frequency attached by ClinVar (database versions not stated): gnomAD exomes below 0.00001; ExAC 0.00001.

Submissions (2):

Labcorp Genetics (formerly Invitae), Labcorp
Classification: Uncertain significance. Last evaluated: 2024-07-29. Review status: criteria provided, single submitter. Criteria: Invitae Variant Classification Sherloc (09022015). Collection method: clinical testing. Allele origin: germline.
Comment: This sequence change replaces glycine, which is neutral and non-polar, with alanine, which is neutral and non-polar, at codon 3029 of the HERC1 protein (p.Gly3029Ala). This variant is present in population databases (rs781292761, gnomAD 0.006%). This variant has not been reported in the literature in individuals affected with HERC1-related conditions. ClinVar contains an entry for this variant (Variation ID: 1405668). Advanced modeling of protein sequence and biophysical properties (such as structural, functional, and spatial information, amino acid conservation, physicochemical variation, residue mobility, and thermodynamic stability) performed at Invitae indicates that this missense variant is expected to disrupt HERC1 protein function with a positive predictive value of 80%. In summary, the available evidence is currently insufficient to determine the role of this variant in disease. Therefore, it has been classified as a Variant of Uncertain Significance.

PreventionGenetics, part of Exact Sciences
Classification: Uncertain significance for HERC1-related condition. Last evaluated: 2022-08-26. Review status: criteria provided, single submitter. Criteria: ACMG Guidelines, 2015. Collection method: clinical testing. Allele origin: germline.
Comment: The HERC1 c.9086G>C variant is predicted to result in the amino acid substitution p.Gly3029Ala. To our knowledge, this variant has not been reported in the literature. This variant is reported in 0.0056% of alleles in individuals of East Asian descent in gnomAD. At this time, the clinical significance of this variant is uncertain due to the absence of conclusive functional and genetic evidence.